The following is an entry in ClinVar:

ClinVar aggregate classification (germline): Uncertain significance (1 of 4 stars; one submission).

gnomAD v4.1: 11 of 1,613,906 alleles (0.00068%); highest among the groups gnomAD compares: Admixed American, 0.0033%; no homozygotes.

Submission:

Labcorp Genetics (formerly Invitae), Labcorp
Classification: Uncertain significance. Last evaluated: 2025-02-27. Review status: criteria provided, single submitter. Criteria: Invitae Variant Classification Sherloc (09022015). Collection method: clinical testing. Allele origin: germline.
Comment: This sequence change replaces aspartic acid, which is acidic and polar, with asparagine, which is neutral and polar, at codon 691 of the ACTN1 protein (p.Asp691Asn). The frequency data for this variant in the population databases is considered unreliable, as metrics indicate poor data quality at this position in the gnomAD database. This variant has not been reported in the literature in individuals affected with ACTN1-related conditions. Invitae Evidence Modeling of protein sequence and biophysical properties (such as structural, functional, and spatial information, amino acid conservation, physicochemical variation, residue mobility, and thermodynamic stability) indicates that this missense variant is not expected to disrupt ACTN1 protein function with a negative predictive value of 80%. In summary, the available evidence is currently insufficient to determine the role of this variant in disease. Therefore, it has been classified as a Variant of Uncertain Significance.

NM_001130004.2(ACTN1):c.2071G>A (p.Asp691Asn)

Gene: ACTN1 (actinin alpha 1; minus strand). Cytogenetic location: 14q24.1.
Variant type: single nucleotide variant.
Coding change: c.2071G>A on transcript NM_001130004.2 (MANE Select); coding-DNA position 2071, G replaced by A.
Protein change: p.Asp691Asn; replaces aspartic acid 691 with asparagine.
Molecular consequence: missense variant.
Genome position (GRCh38, 1-based): chr14:68,880,872, C>T on the plus strand (G>A on the coding strand, the complement: ACTN1 is on the minus strand). VCF-style: chr14-68880872-C-T. GRCh37 (hg19) VCF-style: chr14-69347589-C-T.
Other names: c.2071G>A, p.Asp691Asn (NM_001102.4, NM_001130005.2, NM_001424012.1 and 2 more transcripts); c.2095G>A, p.Asp699Asn (NM_001411035.1, NM_001424016.1); c.1876G>A, p.Asp626Asn (NM_001411036.1, NM_001424028.1, NM_001424026.1); c.2197G>A, p.Asp733Asn (NM_001424013.1); c.2158G>A, p.Asp720Asn (NM_001424015.1); c.1888G>A, p.Asp630Asn (NM_001424027.1, NM_001424029.1, NM_001424019.1 and 2 more transcripts); c.1246G>A, p.Asp416Asn (NM_001424030.1); c.2068G>A, p.Asp690Asn (NM_001424017.1); and 3 more; short protein forms D626N, D630N, D670N, D678N, D416N, D668N, D691N, D733N.
Identifiers: ClinVar variation 4778883 (VCV004778883.1).